The following is an entry in ClinVar:

ClinVar aggregate classification (germline): Uncertain significance. Review status: criteria provided, multiple submitters, no conflicts (2 of 4 stars). 2 submissions from 2 submitters: Uncertain significance (2). Last evaluated 2025-07-02.

Allele frequency attached by ClinVar (database versions not stated): TOPMed below 0.00001; gnomAD 0.00001; gnomAD exomes 0.00001.
gnomAD v4.1: 22 of 1,614,114 alleles (0.0014%); highest among the groups gnomAD compares: Non-Finnish European, 0.0019%; no homozygotes.

Submissions (2):

Labcorp Genetics (formerly Invitae), Labcorp
Classification: Uncertain significance. Last evaluated: 2025-07-02. Review status: criteria provided, single submitter. Criteria: Invitae Variant Classification Sherloc (09022015). Collection method: clinical testing. Allele origin: germline.
Comment: This sequence change replaces leucine, which is neutral and non-polar, with proline, which is neutral and non-polar, at codon 442 of the A2ML1 protein (p.Leu442Pro). This variant is not present in population databases (gnomAD no frequency). This variant has not been reported in the literature in individuals affected with A2ML1-related conditions. ClinVar contains an entry for this variant (Variation ID: 3229186). An algorithm developed to predict the effect of missense changes on protein structure and function (PolyPhen-2) suggests that this variant is likely to be disruptive. In summary, the available evidence is currently insufficient to determine the role of this variant in disease. Therefore, it has been classified as a Variant of Uncertain Significance.

Ambry Genetics
Classification: Uncertain significance. Last evaluated: 2023-12-10. Review status: criteria provided, single submitter. Criteria: Ambry Variant Classification Scheme 2023. Collection method: clinical testing. Allele origin: germline.
Comment: The p.L442P variant (also known as c.1325T>C), located in coding exon 12 of the A2ML1 gene, results from a T to C substitution at nucleotide position 1325. The leucine at codon 442 is replaced by proline, an amino acid with similar properties. This amino acid position is conserved. In addition, the in silico prediction for this alteration is inconclusive. Since supporting evidence is limited at this time, the clinical significance of this alteration remains unclear.

NM_144670.6(A2ML1):c.1325T>C (p.Leu442Pro)

Gene: A2ML1 (alpha-2-macroglobulin like 1; plus strand). Cytogenetic location: 12p13.31.
Variant type: single nucleotide variant.
Coding change: c.1325T>C on transcript NM_144670.6 (MANE Select); coding-DNA position 1325, T replaced by C.
Protein change: p.Leu442Pro; replaces leucine 442 with proline.
Molecular consequence: missense variant.
Genome position (GRCh38, 1-based): chr12:8,843,210, T>C. VCF-style: chr12-8843210-T-C. GRCh37 (hg19) VCF-style: chr12-8995806-T-C.
Other names: short protein forms L442P.
Identifiers: ClinVar variation 3229186 (VCV003229186.2), dbSNP rs1796097732, ClinGen allele CA383824993.
Genomic context (GRCh38, chr12:8,843,210, plus strand): 5'-AAGACTTAGTATATAATCCGGAACAAGTGCCACGTTACTACCAAAATGCCTACCTGCACC[T>C]GCGACCCTTCTACAGCACAACCCGCAGCTTCCTTGGCATCCACCGGCTAAACGGCCCCTT-3'
Protein context (NP_653271.3, residues 432-452): PRYYQNAYLH[Leu442Pro]RPFYSTTRSF